The following is an entry in ClinVar:

ClinVar aggregate classification (germline): Uncertain significance. Review status: criteria provided, multiple submitters, no conflicts (2 of 4 stars). 2 submissions from 2 submitters: Uncertain significance (2). Last evaluated 2025-08-09.

Allele frequency attached by ClinVar (database versions not stated): gnomAD 0.00001; TOPMed 0.00003.
gnomAD v4.1: 29 of 1,614,024 alleles (0.0018%); highest among the groups gnomAD compares: Admixed American, 0.0033%; no homozygotes.

Submissions (2):

Ambry Genetics
Classification: Uncertain significance. Last evaluated: 2025-08-09. Review status: criteria provided, single submitter. Criteria: Ambry Variant Classification Scheme 2023. Collection method: clinical testing. Allele origin: germline.

Labcorp Genetics (formerly Invitae), Labcorp
Classification: Uncertain significance. Last evaluated: 2023-06-07. Review status: criteria provided, single submitter. Criteria: Invitae Variant Classification Sherloc (09022015). Collection method: clinical testing. Allele origin: germline.
Comment: This variant is present in population databases (rs201881186, gnomAD 0.004%). In summary, the available evidence is currently insufficient to determine the role of this variant in disease. Therefore, it has been classified as a Variant of Uncertain Significance. An algorithm developed to predict the effect of missense changes on protein structure and function (PolyPhen-2) suggests that this variant is likely to be disruptive. ClinVar contains an entry for this variant (Variation ID: 1494787). This variant has not been reported in the literature in individuals affected with CXCR2-related conditions. This sequence change replaces threonine, which is neutral and polar, with asparagine, which is neutral and polar, at codon 285 of the CXCR2 protein (p.Thr285Asn).

NM_001557.4(CXCR2):c.854C>A (p.Thr285Asn)

Gene: CXCR2 (C-X-C motif chemokine receptor 2; plus strand). Cytogenetic location: 2q35.
Variant type: single nucleotide variant.
Coding change: c.854C>A on transcript NM_001557.4 (MANE Select); coding-DNA position 854, C replaced by A.
Protein change: p.Thr285Asn; replaces threonine 285 with asparagine.
Molecular consequence: missense variant.
Genome position (GRCh38, 1-based): chr2:218,135,655, C>A. VCF-style: chr2-218135655-C-A. GRCh37 (hg19) VCF-style: chr2-219000378-C-A.
Other names: c.854C>A, p.Thr285Asn (NM_001168298.2); c.854C>A (NM_001557.3); short protein forms T285N.
Identifiers: ClinVar variation 1494787 (VCV001494787.5), dbSNP rs201881186, ClinGen allele CA2101793.